The following is an entry in ClinVar:

NM_001382430.1(AKT1):c.1373T>C (p.Met458Thr)

Gene: AKT1 (AKT serine/threonine kinase 1; minus strand). Cytogenetic location: 14q32.33.
Variant type: single nucleotide variant.
Coding change: c.1373T>C on transcript NM_001382430.1 (MANE Select); coding-DNA position 1373, T replaced by C.
Protein change: p.Met458Thr; replaces methionine 458 with threonine.
Molecular consequence: missense variant.
Genome position (GRCh38, 1-based): chr14:104,770,411, A>G on the plus strand (T>C on the coding strand, the complement: AKT1 is on the minus strand). VCF-style: chr14-104770411-A-G. GRCh37 (hg19) VCF-style: chr14-105236748-A-G.
Other names: c.1373T>C, p.Met458Thr (NM_001382433.1, NM_005163.2, NM_001014431.2 and 3 more transcripts); short protein forms M458T.
Identifiers: ClinVar variation 133454 (VCV000133454.8), dbSNP rs587778018, ClinGen allele CA156572.
Genomic context (GRCh38, chr14:104,770,411, plus strand): 5'-CCGCTGGCCGAGTAGGAGAACTGGGGGAAGTGGGGCCTGCGCTCGCTGTCCACACACTCC[A>G]TGCTGTCATCTGTGGGTGTAGACAGCTCAGACCCCGGTGCCCCACCTCCCTGCCACCTCC-3'
Protein context (NP_001369359.1, residues 448-468): TITPPDQDDS[Met458Thr]ECVDSERRPH

ClinVar aggregate classification (germline): Uncertain significance. Review status: criteria provided, single submitter (1 of 4 stars). 2 submissions from 2 submitters: Uncertain significance (1). 1 of the submissions does not count toward it. Last evaluated 2025-07-07.

Conditions:
Cowden syndrome 6 (CWS6). Identifiers: Orphanet 201, MedGen C3554519, MONDO:0014048, OMIM 615109.

Allele frequency attached by ClinVar (database versions not stated): TOPMed 0.00002; gnomAD 0.00003 and 0.00005.
gnomAD v4.1: 53 of 1,611,304 alleles (0.0033%); highest among the groups gnomAD compares: East Asian, 0.1%; no homozygotes.

Submissions (2):

Labcorp Genetics (formerly Invitae), Labcorp
Classification: Uncertain significance for Cowden syndrome 6. Last evaluated: 2025-07-07. Review status: criteria provided, single submitter. Criteria: Invitae Variant Classification Sherloc (09022015). Collection method: clinical testing. Allele origin: germline.
Comment: This sequence change replaces methionine, which is neutral and non-polar, with threonine, which is neutral and polar, at codon 458 of the AKT1 protein (p.Met458Thr). This variant is present in population databases (rs587778018, gnomAD 0.06%). This variant has not been reported in the literature in individuals affected with AKT1-related conditions. ClinVar contains an entry for this variant (Variation ID: 133454). An algorithm developed to predict the effect of missense changes on protein structure and function (PolyPhen-2) suggests that this variant is likely to be tolerated. In summary, the available evidence is currently insufficient to determine the role of this variant in disease. Therefore, it has been classified as a Variant of Uncertain Significance.

ITMI
No classification provided. Condition: AllHighlyPenetrant. Last evaluated: 2013-09-19. Review status: no classification provided. Collection method: reference population. Allele origin: germline. Not counted in ClinVar's aggregate classification.
Comment: Please see associated publication for description of ethnicities

Literature cited by the submitters: PubMed 24728327 (cited by ITMI).